The following is an entry in ClinVar:

NM_002775.5(HTRA1):c.523G>A (p.Val175Met)

Gene: HTRA1 (HtrA serine peptidase 1; plus strand). Cytogenetic location: 10q26.13.
Variant type: single nucleotide variant.
Coding change: c.523G>A on transcript NM_002775.5 (MANE Select); coding-DNA position 523, G replaced by A.
Protein change: p.Val175Met; replaces valine 175 with methionine.
Molecular consequence: missense variant.
Genome position (GRCh38, 1-based): chr10:122,488,952, G>A. VCF-style: chr10-122488952-G-A. GRCh37 (hg19) VCF-style: chr10-124248468-G-A.
Other names: short protein forms V175M.
Identifiers: ClinVar variation 447572 (VCV000447572.5), dbSNP rs768665565, ClinGen allele CA5725844.

ClinVar aggregate classification (germline): Uncertain significance. Review status: criteria provided, multiple submitters, no conflicts (2 of 4 stars). 2 submissions from 2 submitters: Uncertain significance (2). Last evaluated 2024-09-17.

Allele frequency attached by ClinVar (database versions not stated): gnomAD exomes below 0.00001; ExAC 0.00001.
gnomAD v4.1: 6 of 1,614,176 alleles (0.00037%); highest among the groups gnomAD compares: South Asian, 0.0022%; no homozygotes.

Submissions (2):

Labcorp Genetics (formerly Invitae), Labcorp
Classification: Uncertain significance. Last evaluated: 2024-09-17. Review status: criteria provided, single submitter. Criteria: Invitae Variant Classification Sherloc (09022015). Collection method: clinical testing. Allele origin: germline.
Comment: This sequence change replaces valine, which is neutral and non-polar, with methionine, which is neutral and non-polar, at codon 175 of the HTRA1 protein (p.Val175Met). This variant is present in population databases (rs768665565, gnomAD 0.0009%). This missense change has been observed in individual(s) with autosomal dominant cerebral small vessel disease (PMID: 28782182, 33109952, 33963955, 34461444, 34510819, 36380532). ClinVar contains an entry for this variant (Variation ID: 447572). Invitae Evidence Modeling of protein sequence and biophysical properties (such as structural, functional, and spatial information, amino acid conservation, physicochemical variation, residue mobility, and thermodynamic stability) has been performed for this missense variant. However, the output from this modeling did not meet the statistical confidence thresholds required to predict the impact of this variant on HTRA1 protein function. Experimental studies have shown that this missense change affects HTRA1 function (PMID: 36047879). This variant disrupts the p.Val175 amino acid residue in HTRA1. Other variant(s) that disrupt this residue have been observed in individuals with HTRA1-related conditions (PMID: 32445900; internal data), which suggests that this may be a clinically significant amino acid residue. In summary, the available evidence is currently insufficient to determine the role of this variant in disease. Therefore, it has been classified as a Variant of Uncertain Significance.

Athena Diagnostics
Classification: Uncertain significance. Last evaluated: 2020-10-01. Review status: criteria provided, single submitter. Criteria: Athena Diagnostics criteria. Collection method: clinical testing. Allele origin: unknown.

Literature cited by the submitters: PubMed 28782182 (cited by Labcorp Genetics (formerly Invitae), Labcorp and Athena Diagnostics); PubMed 33109952 (cited by Labcorp Genetics (formerly Invitae), Labcorp); PubMed 33963955 (cited by Labcorp Genetics (formerly Invitae), Labcorp); PubMed 34461444 (cited by Labcorp Genetics (formerly Invitae), Labcorp); PubMed 34510819 (cited by Labcorp Genetics (formerly Invitae), Labcorp); PubMed 36380532 (cited by Labcorp Genetics (formerly Invitae), Labcorp); PubMed 36047879 (cited by Labcorp Genetics (formerly Invitae), Labcorp); PubMed 32445900 (cited by Labcorp Genetics (formerly Invitae), Labcorp).